The following is an entry in ClinVar:

ClinVar aggregate classification (germline): Pathogenic (1 of 4 stars; one submission).

Submission:

GeneDx
Classification: Pathogenic. Last evaluated: 2015-06-08. Review status: criteria provided, single submitter. Criteria: GeneDx Variant Classification (06012015). Collection method: clinical testing. Allele origin: germline. Affected: yes.
Comment: The Y562X nonsense variant in the KCNQ2 gene is predicted to cause loss of normal protein functioneither through protein truncation or nonsense-mediated mRNA decay. Although this variant has not beenreported previously to our knowledge, other nonsense variants in this region of the protein have beenreported in association with KCNQ2-related disorders (Stenson et al., 2014). Therefore, we consider this variant to be pathogenic.

NM_172107.4(KCNQ2):c.1686C>A (p.Tyr562Ter)

Gene: KCNQ2 (potassium voltage-gated channel subfamily Q member 2; minus strand). Cytogenetic location: 20q13.33.
Variant type: single nucleotide variant.
Coding change: c.1686C>A on transcript NM_172107.4 (MANE Select); coding-DNA position 1686, C replaced by A.
Protein change: p.Tyr562Ter; replaces tyrosine 562 with a stop codon.
Molecular consequence: nonsense.
Genome position (GRCh38, 1-based): chr20:63,413,527, G>T on the plus strand (C>A on the coding strand, the complement: KCNQ2 is on the minus strand). VCF-style: chr20-63413527-G-T. GRCh37 (hg19) VCF-style: chr20-62044880-G-T.
Other names: c.1602C>A, p.Tyr534Ter (NM_004518.6); c.1632C>A, p.Tyr544Ter (NM_172106.3); c.1593C>A, p.Tyr531Ter (NM_172108.5); short protein forms Y562*, Y544*, Y531*, Y534*.
Identifiers: ClinVar variation 379891 (VCV000379891.2), dbSNP rs1057520773, ClinGen allele CA16608020.